The following is an entry in ClinVar:

NM_001330078.2(NRXN1):c.1354T>G (p.Leu452Val)

Gene: NRXN1 (neurexin 1; minus strand). Cytogenetic location: 2p16.3.
Variant type: single nucleotide variant.
Coding change: c.1354T>G on transcript NM_001330078.2 (MANE Select); coding-DNA position 1354, T replaced by G.
Protein change: p.Leu452Val; replaces leucine 452 with valine.
Molecular consequence: missense variant.
Genome position (GRCh38, 1-based): chr2:50,552,992, A>C on the plus strand (T>G on the coding strand, the complement: NRXN1 is on the minus strand). VCF-style: chr2-50552992-A-C. GRCh37 (hg19) VCF-style: chr2-50780130-A-C.
Other names: c.1474T>G, p.Leu492Val (NM_001135659.3); c.1330T>G, p.Leu444Val (NM_001330077.2, NM_001330082.2, NM_001330095.2); c.1315T>G, p.Leu439Val (NM_001330083.2, NM_001330084.2); c.1354T>G, p.Leu452Val (NM_001330085.2, NM_001330086.2, NM_004801.6); c.1270T>G, p.Leu424Val (NM_001330087.2, NM_001330096.2); c.1300T>G, p.Leu434Val (NM_001330088.2); c.1351T>G, p.Leu451Val (NM_001330093.2); c.1342T>G, p.Leu448Val (NM_001330094.2); short protein forms L448V, L451V, L492V, L434V, L439V, L444V, L424V, L452V.
Identifiers: ClinVar variation 4713858 (VCV004713858.1).

ClinVar aggregate classification (germline): Uncertain significance (1 of 4 stars; one submission).

Conditions:
Pitt-Hopkins-like syndrome 2 (PTHSL2). Identifiers: Orphanet 221150, Orphanet 600663, MedGen C3280479, MONDO:0013690, OMIM 614325.

Submission:

Labcorp Genetics (formerly Invitae), Labcorp
Classification: Uncertain significance for Pitt-Hopkins-like syndrome 2. Last evaluated: 2025-02-26. Review status: criteria provided, single submitter. Criteria: Invitae Variant Classification Sherloc (09022015). Collection method: clinical testing. Allele origin: germline.
Comment: This sequence change replaces leucine, which is neutral and non-polar, with valine, which is neutral and non-polar, at codon 492 of the NRXN1 protein (p.Leu492Val). This variant is not present in population databases (gnomAD no frequency). This variant has not been reported in the literature in individuals affected with NRXN1-related conditions. An algorithm developed to predict the effect of missense changes on protein structure and function (PolyPhen-2) suggests that this variant is likely to be disruptive. In summary, the available evidence is currently insufficient to determine the role of this variant in disease. Therefore, it has been classified as a Variant of Uncertain Significance.